The following is an entry in ClinVar:

NM_001754.5(RUNX1):c.1303G>T (p.Ala435Ser)

Gene: RUNX1 (RUNX family transcription factor 1; minus strand). Cytogenetic location: 21q22.12.
Variant type: single nucleotide variant.
Coding change: c.1303G>T on transcript NM_001754.5 (MANE Select); coding-DNA position 1303, G replaced by T.
Protein change: p.Ala435Ser; replaces alanine 435 with serine.
Molecular consequence: missense variant.
Genome position (GRCh38, 1-based): chr21:34,792,275, C>A on the plus strand (G>T on the coding strand, the complement: RUNX1 is on the minus strand). VCF-style: chr21-34792275-C-A. GRCh37 (hg19) VCF-style: chr21-36164572-C-A.
Other names: NM_001754.5(RUNX1):c.1303G>T; p.Ala435Ser; c.1222G>T, p.Ala408Ser (NM_001001890.3); short protein forms A408S, A435S.
Identifiers: ClinVar variation 2091961 (VCV002091961.5), dbSNP rs1216478489, ClinGen allele CA410147444.
Genomic context (GRCh38, chr21:34,792,275, plus strand): 5'-CCTCCACCACGTCGCTCTGGTTCGGGAGGCTGGGGTTGAGCAGCGCGGAGCCGGTGGAGG[C>A]GTTGGTGCAGGGCGGCAGGATGCGCGGCGGCGAGCGCTCGCCGCCCACCATGGAGAACTG-3'
Protein context (NP_001745.2, residues 425-445): PPRILPPCTN[Ala435Ser]STGSALLNPS

ClinVar aggregate classification (germline): Uncertain significance. Review status: reviewed by expert panel (3 of 4 stars). 2 submissions from 2 submitters: Uncertain significance (1). 1 of the submissions does not count toward it. Last evaluated 2025-01-15.

Conditions:
Hereditary thrombocytopenia and hematological cancer predisposition syndrome associated with RUNX1. Also called: Familial Platelet Disorder with Propensity to Acute Myelogenous Leukemia; Familial thrombocytopenia with propensity to acute myelogenous leukemia; PLATELET DISORDER, ASPIRIN-LIKE; RUNX1 Familial Platelet Disorder with Associated Myeloid Malignancies. Identifiers: Orphanet 71290, MedGen C1832388, MeSH C563324, MONDO:0100083, OMIM 601399.
Hereditary thrombocytopenia and hematologic cancer predisposition syndrome. Identifiers: Orphanet 71290, MedGen CN281654, MONDO:0011071.

Submissions (2):

ClinGen Myeloid Malignancy Variant Curation Expert Panel
Classification: Uncertain significance for Hereditary thrombocytopenia and hematologic cancer predisposition syndrome. Last evaluated: 2025-01-15. Review status: reviewed by expert panel. Criteria: ClinGen MyeloMalig ACMG Specifications v2. Collection method: curation. Allele origin: germline. Inheritance: Autosomal dominant inheritance.
Comment: NM_001754.5(RUNX1):c.1303G>T (p.Ala435Ser) is a missense variant which has a REVEL score < 0.50 (0.148) and a SpliceAI score ≤ 0.20 (0.0) (BP4). This variant is completely absent from all population databases with at least 20x coverage for RUNX1 (PM2_Supporting). In summary, the clinical significance of this variant is uncertain. ACMG/AMP criteria applied, as specified by the Myeloid Malignancy Variant Curation Expert Panel for RUNX1: BP4, PM2_supporting.

Labcorp Genetics (formerly Invitae), Labcorp
Classification: Uncertain significance for Hereditary thrombocytopenia and hematological cancer predisposition syndrome associated with RUNX1. Last evaluated: 2022-02-02. Review status: criteria provided, single submitter. Criteria: Invitae Variant Classification Sherloc (09022015). Collection method: clinical testing. Allele origin: germline. Not counted in ClinVar's aggregate classification.
Comment: In summary, the available evidence is currently insufficient to determine the role of this variant in disease. Therefore, it has been classified as a Variant of Uncertain Significance. This sequence change replaces alanine, which is neutral and non-polar, with serine, which is neutral and polar, at codon 435 of the RUNX1 protein (p.Ala435Ser). Algorithms developed to predict the effect of missense changes on protein structure and function are either unavailable or do not agree on the potential impact of this missense change (SIFT: "Tolerated"; PolyPhen-2: "Possibly Damaging"; Align-GVGD: "Class C0"). This variant has not been reported in the literature in individuals affected with RUNX1-related conditions. This variant is not present in population databases (gnomAD no frequency).